The following is an entry in ClinVar:

NM_001161352.2(KCNMA1):c.234G>A (p.Pro78=)

Gene: KCNMA1 (potassium calcium-activated channel subfamily M alpha 1; minus strand). Cytogenetic location: 10q22.3.
Variant type: single nucleotide variant.
Coding change: c.234G>A on transcript NM_001161352.2 (MANE Select); coding-DNA position 234, G replaced by A.
Protein change: p.Pro78=; no amino-acid change (proline 78 retained).
Molecular consequence: synonymous variant.
Genome position (GRCh38, 1-based): chr10:77,637,409, C>T on the plus strand (G>A on the coding strand, the complement: KCNMA1 is on the minus strand). VCF-style: chr10-77637409-C-T. GRCh37 (hg19) VCF-style: chr10-79397167-C-T.
Other names: c.234G>A, p.Pro78= (NM_001014797.3, NM_001161353.2, NM_001271518.2 and 12 more transcripts); c.234G>A (NM_002247.3).
Identifiers: ClinVar variation 1119930 (VCV001119930.11), dbSNP rs1027255936, ClinGen allele CA210159542.
Genomic context (GRCh38, chr10:77,637,409, plus strand): 5'-GAAAGTCACCATGGAGGAGGCCAGGAAAGCCCACCACATGCGTTGGCCCCGGCTGTCGCA[C>T]GGCACCTCCATGGTCACCGGGATGATGAGCGCATCCATCTTGGGCTCGTGGACCGAGGAC-3'
Protein context (NP_001154824.1, residues 68-88): ALIIPVTMEV[Pro78=]CDSRGQRMWW

ClinVar aggregate classification (germline): Likely benign. Review status: criteria provided, single submitter (1 of 4 stars). 2 submissions from 2 submitters: Likely benign (1). 1 of the submissions does not count toward it. Last evaluated 2020-09-08.

Conditions:
KCNMA1-related disorder. Also called: KCNMA1-related disorders; KCNMA1-related condition.
Generalized epilepsy-paroxysmal dyskinesia syndrome (PNKD3). Also called: Paroxysmal nonkinesigenic dyskinesia, 3, with or without generalized epilepsy; Generalized epilepsy and paroxysmal dyskinesia. Identifiers: Orphanet 79137, MedGen C5574945, MONDO:0012276, OMIM 609446.

Allele frequency attached by ClinVar (database versions not stated): gnomAD 0.00001; TOPMed 0.00001.
gnomAD v4.1: 4 of 1,613,692 alleles (0.00025%); highest among the groups gnomAD compares: Non-Finnish European, 0.00034%; no homozygotes.

Submissions (2):

Labcorp Genetics (formerly Invitae), Labcorp
Classification: Likely benign for Generalized epilepsy-paroxysmal dyskinesia syndrome. Last evaluated: 2020-09-08. Review status: criteria provided, single submitter. Criteria: Invitae Variant Classification Sherloc (09022015). Collection method: clinical testing. Allele origin: germline.

PreventionGenetics, part of Exact Sciences
Classification: Likely benign for KCNMA1-related condition. Last evaluated: 2023-03-06. Review status: no assertion criteria provided. Collection method: clinical testing. Allele origin: germline. Not counted in ClinVar's aggregate classification.
Comment: This variant is classified as likely benign based on ACMG/AMP sequence variant interpretation guidelines (Richards et al. 2015 PMID: 25741868, with internal and published modifications).